The following is an entry in ClinVar:

ClinVar aggregate classification (germline): Uncertain significance (1 of 4 stars; one submission).

Conditions:
Generalized epilepsy with febrile seizures plus, type 7 (GEFSP7). Also called: GEFS+, TYPE 7. Identifiers: Orphanet 36387, MedGen C2751778, MONDO:0013470, OMIM 613863.
Neuropathy, hereditary sensory and autonomic, type 2A (HSAN2A). Also called: HSAN IIA; MORVAN DISEASE; NEUROPATHY, CONGENITAL SENSORY; NEUROPATHY, HEREDITARY SENSORY RADICULAR, AUTOSOMAL RECESSIVE; NEUROPATHY, HEREDITARY SENSORY, TYPE IIA; NEUROPATHY, PROGRESSIVE SENSORY, OF CHILDREN. Identifiers: Orphanet 970, MedGen C2752089, MONDO:0024309, OMIM 201300.

Allele frequency attached by ClinVar (database versions not stated): gnomAD exomes below 0.00001.
gnomAD v4.1: 1 of 1,588,092 alleles (0.000063%); highest among the groups gnomAD compares: East Asian, 0.0023%; no homozygotes.

Submission:

Labcorp Genetics (formerly Invitae), Labcorp
Classification: Uncertain significance for Neuropathy, hereditary sensory and autonomic, type 2A; Generalized epilepsy with febrile seizures plus, type 7. Last evaluated: 2022-05-10. Review status: criteria provided, single submitter. Criteria: Invitae Variant Classification Sherloc (09022015). Collection method: clinical testing. Allele origin: germline.
Comment: Algorithms developed to predict the effect of missense changes on protein structure and function (SIFT, PolyPhen-2, Align-GVGD) all suggest that this variant is likely to be tolerated. In summary, the available evidence is currently insufficient to determine the role of this variant in disease. Therefore, it has been classified as a Variant of Uncertain Significance. This variant has not been reported in the literature in individuals affected with SCN9A-related conditions. This variant is not present in population databases (gnomAD no frequency). This sequence change replaces threonine, which is neutral and polar, with alanine, which is neutral and non-polar, at codon 1210 of the SCN9A protein (p.Thr1210Ala).

NM_001365536.1(SCN9A):c.3661A>G (p.Thr1221Ala)

Genes: SCN9A (sodium voltage-gated channel alpha subunit 9; minus strand), SCN1A-AS1 (SCN1A and SCN9A antisense RNA 1; plus strand). Cytogenetic location: 2q24.3.
Variant type: single nucleotide variant.
Coding change: c.3661A>G on transcript NM_001365536.1 (MANE Select); coding-DNA position 3661, A replaced by G.
Protein change: p.Thr1221Ala; replaces threonine 1221 with alanine.
Molecular consequence: missense variant.
Genome position (GRCh38, 1-based): chr2:166,238,234, T>C on the plus strand (A>G on the coding strand, the complement: SCN9A is on the minus strand). VCF-style: chr2-166238234-T-C. GRCh37 (hg19) VCF-style: chr2-167094744-T-C.
Other names: c.3628A>G, p.Thr1210Ala (NM_002977.4); short protein forms T1210A, T1221A.
Identifiers: ClinVar variation 2144110 (VCV002144110.4), dbSNP rs2469006775, ClinGen allele CA349068905.
Genomic context (GRCh38, chr2:166,238,234, plus strand): 5'-TTTCCAGAATGAAGATGTAAGTGAAGATCTTGTCTGCATACTCCAGGATAATCTTAATGG[T>C]CTTTTTCCTTTCAATATAAATATCTTCAAAAGCCTGTGGAAATAATATTCAAGTTTCAAT-3'
Protein context (NP_001352465.1, residues 1211-1231): FEDIYIERKK[Thr1221Ala]IKIILEYADK